The following is an entry in ClinVar:

NM_201384.3(PLEC):c.10831G>A (p.Gly3611Ser)

Gene: PLEC (plectin; minus strand). Cytogenetic location: 8q24.3.
Variant type: single nucleotide variant.
Coding change: c.10831G>A on transcript NM_201384.3 (MANE Select); coding-DNA position 10831, G replaced by A.
Protein change: p.Gly3611Ser; replaces glycine 3611 with serine.
Molecular consequence: missense variant.
Genome position (GRCh38, 1-based): chr8:143,918,990, C>T on the plus strand (G>A on the coding strand, the complement: PLEC is on the minus strand). VCF-style: chr8-143918990-C-T. GRCh37 (hg19) VCF-style: chr8-144993158-C-T.
Other names: c.10912G>A, p.Gly3638Ser (NM_000445.5); c.10789G>A, p.Gly3597Ser (NM_201378.4); c.10765G>A, p.Gly3589Ser (NM_201379.3); c.11242G>A, p.Gly3748Ser (NM_201380.4); c.10735G>A, p.Gly3579Ser (NM_201381.3); c.10831G>A, p.Gly3611Ser (NM_201382.4); c.10843G>A, p.Gly3615Ser (NM_201383.3); short protein forms G3579S, G3589S, G3597S, G3611S, G3615S, G3638S, G3748S.
Identifiers: ClinVar variation 449850 (VCV000449850.10), dbSNP rs201595670, ClinGen allele CA4924523.

ClinVar aggregate classification (germline): Uncertain significance. Review status: criteria provided, multiple submitters, no conflicts (2 of 4 stars). 3 submissions from 3 submitters: Uncertain significance (3). Last evaluated 2025-03-05.

Conditions:
Epidermolysis bullosa simplex 5B, with muscular dystrophy (EBS5B). Also called: EPIDERMOLYSIS BULLOSA SIMPLEX AND LIMB-GIRDLE MUSCULAR DYSTROPHY; Epidermolysis bullosa simplex with muscular dystrophy. Identifiers: Orphanet 257, MedGen C2931072, MONDO:0009181, OMIM 226670.
Epidermolysis bullosa simplex, Ogna type (EBS5A). Also called: EPIDERMOLYSIS BULLOSA SIMPLEX 5A, OGNA TYPE; Pidermolysis bullosa simplex 5A, Ogna type. Identifiers: Orphanet 79401, MedGen C0432317, MONDO:0007555, OMIM 131950.
Epidermolysis bullosa simplex 5C, with pyloric atresia (EBS5C). Also called: PLEC1-Related Epidermolysis Bullosa with Pyloric Atresia; PLEC-Related Epidermolysis Bullosa with Pyloric Atresia; Epidermolysis bullosa simplex with pyloric atresia. Identifiers: Orphanet 158684, MedGen C2677349, MONDO:0012807, OMIM 612138.
Epidermolysis bullosa simplex with nail dystrophy (EBS5D). Identifiers: MedGen C4225309, MONDO:0014661, OMIM 616487.
Autosomal recessive limb-girdle muscular dystrophy type 2Q (LGMDR17). Also called: MUSCULAR DYSTROPHY, LIMB-GIRDLE, AUTOSOMAL RECESSIVE 17. Identifiers: Orphanet 254361, MedGen C3150989, MONDO:0013390, OMIM 613723.

Allele frequency attached by ClinVar (database versions not stated): TOPMed 0.00001; gnomAD 0.00002 and 0.00003; ExAC 0.00005; ESP Exome Variant Server 0.00008.
gnomAD v4.1: 54 of 1,611,114 alleles (0.0034%); highest among the groups gnomAD compares: South Asian, 0.0066%; no homozygotes.

Submissions (3):

Labcorp Genetics (formerly Invitae), Labcorp
Classification: Uncertain significance for Autosomal recessive limb-girdle muscular dystrophy type 2Q; Epidermolysis bullosa simplex, Ogna type; Epidermolysis bullosa simplex with nail dystrophy; Epidermolysis bullosa simplex 5C, with pyloric atresia; Epidermolysis bullosa simplex 5B, with muscular dystrophy. Last evaluated: 2025-03-05. Review status: criteria provided, single submitter. Criteria: Invitae Variant Classification Sherloc (09022015). Collection method: clinical testing. Allele origin: germline.
Comment: This sequence change replaces glycine, which is neutral and non-polar, with serine, which is neutral and polar, at codon 3638 of the PLEC protein (p.Gly3638Ser). This variant is present in population databases (rs201595670, gnomAD 0.01%). This variant has not been reported in the literature in individuals affected with PLEC-related conditions. ClinVar contains an entry for this variant (Variation ID: 449850). An algorithm developed to predict the effect of missense changes on protein structure and function (PolyPhen-2) suggests that this variant is likely to be disruptive. In summary, the available evidence is currently insufficient to determine the role of this variant in disease. Therefore, it has been classified as a Variant of Uncertain Significance.

Revvity Omics, Revvity
Classification: Uncertain significance. Last evaluated: 2021-12-17. Review status: criteria provided, single submitter. Criteria: ACMG Guidelines, 2015. Collection method: clinical testing. Allele origin: germline.

GeneDx
Classification: Uncertain significance. Last evaluated: 2017-10-17. Review status: criteria provided, single submitter. Criteria: GeneDx Variant Classification (06012015). Collection method: clinical testing. Allele origin: germline. Affected: yes.
Comment: The G3638S variant has not been published as a pathogenic variant, nor has it been reported as a benign variant to our knowledge. The G3638S variant is observed in 10/111,278 (0.01%) alleles from individuals of European background (Lek et al., 2016). This variant is a non-conservative amino acid substitution, which is likely to impact secondary protein structure as these residues differ in polarity, charge, size and/or other properties. This substitution occurs at a position that is conserved across species, and in silico analysis predicts this variant is probably damaging to the protein structure/function. However, most reported pathogenic variants in the PLEC gene are truncating/loss-of-function.